The following is an entry in ClinVar:

ClinVar aggregate classification (germline): Uncertain significance (1 of 4 stars; one submission).

gnomAD v4.1: 1 of 1,606,790 alleles (0.000062%); highest among the groups gnomAD compares: South Asian, 0.0011%; no homozygotes.

Submission:

Ambry Genetics
Classification: Uncertain significance. Last evaluated: 2025-07-30. Review status: criteria provided, single submitter. Criteria: Ambry Variant Classification Scheme 2023. Collection method: clinical testing. Allele origin: germline.
Comment: The p.L1441R variant (also known as c.4322T>G), located in coding exon 30 of the MYOM1 gene, results from a T to G substitution at nucleotide position 4322. The leucine at codon 1441 is replaced by arginine, an amino acid with dissimilar properties. This amino acid position is conserved. In addition, this alteration is predicted to be deleterious by in silico analysis. Based on the available evidence, the clinical significance of this variant remains unclear.

NM_003803.4(MYOM1):c.4322T>G (p.Leu1441Arg)

Gene: MYOM1 (myomesin 1; minus strand). Cytogenetic location: 18p11.31.
Variant type: single nucleotide variant.
Coding change: c.4322T>G on transcript NM_003803.4 (MANE Select); coding-DNA position 4322, T replaced by G.
Protein change: p.Leu1441Arg; replaces leucine 1441 with arginine.
Molecular consequence: missense variant.
Genome position (GRCh38, 1-based): chr18:3,085,062, A>C on the plus strand (T>G on the coding strand, the complement: MYOM1 is on the minus strand). VCF-style: chr18-3085062-A-C. GRCh37 (hg19) VCF-style: chr18-3085060-A-C.
Other names: c.4034T>G, p.Leu1345Arg (NM_019856.2); short protein forms L1441R, L1345R.
Identifiers: ClinVar variation 4115979 (VCV004115979.1).